The following is an entry in ClinVar:

NM_005051.3(QARS1):c.1607G>C (p.Cys536Ser)

Gene: QARS1 (glutaminyl-tRNA synthetase 1; minus strand). Cytogenetic location: 3p21.31.
Variant type: single nucleotide variant.
Coding change: c.1607G>C on transcript NM_005051.3 (MANE Select); coding-DNA position 1607, G replaced by C.
Protein change: p.Cys536Ser; replaces cysteine 536 with serine.
Molecular consequence: missense variant. On other transcripts: non-coding transcript variant (1).
Genome position (GRCh38, 1-based): chr3:49,099,351, C>G on the plus strand (G>C on the coding strand, the complement: QARS1 is on the minus strand). VCF-style: chr3-49099351-C-G. GRCh37 (hg19) VCF-style: chr3-49136784-C-G.
Other names: c.1574G>C, p.Cys525Ser (NM_001272073.2); short protein forms C536S, C525S.
Identifiers: ClinVar variation 944631 (VCV000944631.6), dbSNP rs771579029, ClinGen allele CA2391696.

ClinVar aggregate classification (germline): Uncertain significance. Review status: criteria provided, multiple submitters, no conflicts (2 of 4 stars). 3 submissions from 3 submitters: Uncertain significance (3). Last evaluated 2022-02-01.

Conditions:
Diffuse cerebral and cerebellar atrophy - intractable seizures - progressive microcephaly syndrome. Also called: Microcephaly, progressive, with seizures and cerebral and cerebellar atrophy. Identifiers: Orphanet 404437, MedGen C4014239, MONDO:0014335, OMIM 615760.

Allele frequency attached by ClinVar (database versions not stated): ExAC 0.00002; gnomAD exomes 0.00002 and 0.00005; gnomAD 0.00003; TOPMed 0.00003.
gnomAD v4.1: 76 of 1,614,036 alleles (0.0047%); highest among the groups gnomAD compares: Non-Finnish European, 0.0063%; no homozygotes.

Submissions (3):

Daryl Scott Lab, Baylor College of Medicine
Classification: Uncertain significance for Diffuse cerebral and cerebellar atrophy - intractable seizures - progressive microcephaly syndrome. Last evaluated: 2022-02-01. Review status: criteria provided, single submitter. Criteria: ACMG Guidelines, 2015. Collection method: clinical testing. Allele origin: unknown. Observed: 1 variant allele, 1 compound heterozygote.

Labcorp Genetics (formerly Invitae), Labcorp
Classification: Uncertain significance for Diffuse cerebral and cerebellar atrophy - intractable seizures - progressive microcephaly syndrome. Last evaluated: 2021-09-01. Review status: criteria provided, single submitter. Criteria: Invitae Variant Classification Sherloc (09022015). Collection method: clinical testing. Allele origin: germline.
Comment: This sequence change replaces cysteine with serine at codon 536 of the QARS protein (p.Cys536Ser). The cysteine residue is highly conserved and there is a moderate physicochemical difference between cysteine and serine. This variant is present in population databases (rs771579029, ExAC 0.003%). This variant has not been reported in the literature in individuals affected with QARS-related conditions. Algorithms developed to predict the effect of missense changes on protein structure and function are either unavailable or do not agree on the potential impact of this missense change (SIFT: "Deleterious"; PolyPhen-2: "Probably Damaging"; Align-GVGD: "Class C0"). In summary, the available evidence is currently insufficient to determine the role of this variant in disease. Therefore, it has been classified as a Variant of Uncertain Significance.

Athena Diagnostics
Classification: Uncertain significance. Last evaluated: 2021-01-20. Review status: criteria provided, single submitter. Criteria: Athena Diagnostics criteria. Collection method: clinical testing. Allele origin: unknown.

Literature cited by the submitters: PubMed 36474027 (cited by Daryl Scott Lab, Baylor College of Medicine).